The following is an entry in ClinVar:

NM_005002.5(NDUFA9):c.656-6C>T

Gene: NDUFA9 (NADH:ubiquinone oxidoreductase subunit A9; plus strand). Cytogenetic location: 12p13.32.
Variant type: single nucleotide variant.
Coding change: c.656-6C>T on transcript NM_005002.5 (MANE Select); 6 bases into the intron before coding-DNA position 656, C replaced by T.
Molecular consequence: intron variant.
Genome position (GRCh38, 1-based): chr12:4,668,451, C>T. VCF-style: chr12-4668451-C-T. GRCh37 (hg19) VCF-style: chr12-4777617-C-T.
Identifiers: ClinVar variation 380671 (VCV000380671.9), dbSNP rs138785086, ClinGen allele CA6398192.

ClinVar aggregate classification (germline): Likely benign. Review status: criteria provided, multiple submitters, no conflicts (2 of 4 stars). 2 submissions from 2 submitters: Likely benign (2). Last evaluated 2025-06-12.

Allele frequency attached by ClinVar (database versions not stated): gnomAD exomes 0.00033; ExAC 0.00037; gnomAD 0.00058; TOPMed 0.00068; ESP Exome Variant Server 0.00077; 1000 Genomes Project 0.00140; 1000 Genomes Project 30x 0.00172.
gnomAD v4.1: 338 of 1,611,718 alleles (0.021%); highest among the groups gnomAD compares: African/African-American, 0.18%; no homozygotes.

Submissions (2):

Labcorp Genetics (formerly Invitae), Labcorp
Classification: Likely benign. Last evaluated: 2025-06-12. Review status: criteria provided, single submitter. Criteria: Invitae Variant Classification Sherloc (09022015). Collection method: clinical testing. Allele origin: germline.

GeneDx
Classification: Likely benign. Last evaluated: 2017-11-30. Review status: criteria provided, single submitter. Criteria: GeneDx Variant Classification (06012015). Collection method: clinical testing. Allele origin: germline. Affected: yes.
Comment: This variant is considered likely benign or benign based on one or more of the following criteria: it is a conservative change, it occurs at a poorly conserved position in the protein, it is predicted to be benign by multiple in silico algorithms, and/or has population frequency not consistent with disease.